The following is an entry in ClinVar:

NM_001387430.1(SH2B1):c.1205A>G (p.Glu402Gly)

Gene: SH2B1 (SH2B adaptor protein 1; plus strand). Cytogenetic location: 16p11.2.
Variant type: single nucleotide variant.
Coding change: c.1205A>G on transcript NM_001387430.1 (MANE Select); coding-DNA position 1205, A replaced by G.
Protein change: p.Glu402Gly; replaces glutamic acid 402 with glycine.
Molecular consequence: missense variant.
Genome position (GRCh38, 1-based): chr16:28,869,279, A>G. VCF-style: chr16-28869279-A-G. GRCh37 (hg19) VCF-style: chr16-28880600-A-G.
Other names: c.1205A>G, p.Glu402Gly (NM_001145795.2, NM_001145796.2, NM_001145797.2 and 4 more transcripts); c.197A>G, p.Glu66Gly (NM_001308294.2); short protein forms E402G, E66G.
Identifiers: ClinVar variation 2572669 (VCV002572669.1), dbSNP rs2544879787, ClinGen allele CA395394336.

ClinVar aggregate classification (germline): Uncertain significance (1 of 4 stars; one submission).

Submission:

GeneDx
Classification: Uncertain significance. Last evaluated: 2023-01-06. Review status: criteria provided, single submitter. Criteria: GeneDx Variant Classification Process June 2021. Collection method: clinical testing. Allele origin: germline. Affected: yes.
Comment: Not observed at significant frequency in large population cohorts (gnomAD); In silico analysis supports that this missense variant has a deleterious effect on protein structure/function; Has not been previously published as pathogenic or benign to our knowledge